The following is an entry in ClinVar:

ClinVar aggregate classification (germline): Benign (1 of 4 stars; one submission).

Conditions:
Familial X-linked hypophosphatemic vitamin D refractory rickets (XLHRD). Also called: HYPOPHOSPHATEMIC VITAMIN D-RESISTANT RICKETS; X-Linked Hypophosphatemia; Hypophosphatemia, vitamin D-resistant rickets; Vitamin D-resistant rickets, X-linked; Hypophosphatemic Rickets, X-Linked Dominant. Identifiers: Orphanet 89936, MedGen C0733682, MONDO:0010619, OMIM 307800.

Allele frequency attached by ClinVar (database versions not stated): gnomAD 0.00006 and 0.00002; gnomAD exomes 0.00007; TOPMed 0.00003; 1000 Genomes Project 30x 0.00062; 1000 Genomes Project 0.00079.
gnomAD v4.1: 20 of 309,000 alleles (0.0065%); highest among the groups gnomAD compares: East Asian, 0.072%; no homozygotes.

Submission:

Illumina Laboratory Services, Illumina
Classification: Benign for Familial X-linked hypophosphatemic vitamin D refractory rickets. Last evaluated: 2018-01-12. Review status: criteria provided, single submitter. Criteria: ICSL Variant Classification Criteria 13 December 2019. Collection method: clinical testing. Allele origin: germline.
Comment: This variant was observed in the ICSL laboratory as part of a predisposition screen in an ostensibly healthy population. It had not been previously curated by ICSL or reported in the Human Gene Mutation Database (HGMD: prior to June 1st, 2018), and was therefore a candidate for classification through an automated scoring system. Utilizing variant allele frequency, disease prevalence and penetrance estimates, and inheritance mode, an automated score was calculated to assess if this variant is too frequent to cause the disease. Based on the score and internal cut-off values, a variant classified as benign is not then subjected to further curation. The score for this variant resulted in a classification of benign for this disease.

NM_000444.6(PHEX):c.*305G>A

Genes: PHEX (phosphate regulating endopeptidase X-linked; plus strand), PTCHD1-AS (PTCHD1 and PHEX antisense RNA; minus strand). Cytogenetic location: Xp22.11.
Variant type: single nucleotide variant.
Coding change: c.*305G>A on transcript NM_000444.6 (MANE Select); 305 bases downstream of the stop codon, G replaced by A.
Molecular consequence: 3 prime UTR variant.
Genome position (GRCh38, 1-based): chrX:22,248,258, G>A. VCF-style: chrX-22248258-G-A. GRCh37 (hg19) VCF-style: chrX-22266375-G-A.
Other names: c.*390G>A (NM_001282754.2).
Identifiers: ClinVar variation 915067 (VCV000915067.4), dbSNP rs189715720, ClinGen allele CA327534687.